The following is an entry in ClinVar:

NM_000104.4(CYP1B1):c.1168C>T (p.Arg390Cys)

Gene: CYP1B1 (cytochrome P450 family 1 subfamily B member 1; minus strand). Cytogenetic location: 2p22.2.
Variant type: single nucleotide variant.
Coding change: c.1168C>T on transcript NM_000104.4 (MANE Select); coding-DNA position 1168, C replaced by T.
Protein change: p.Arg390Cys; replaces arginine 390 with cysteine.
Molecular consequence: missense variant.
Genome position (GRCh38, 1-based): chr2:38,071,186, G>A on the plus strand (C>T on the coding strand, the complement: CYP1B1 is on the minus strand). VCF-style: chr2-38071186-G-A. GRCh37 (hg19) VCF-style: chr2-38298329-G-A.
Other names: NM_000104.4(CYP1B1):c.1168C>T; short protein forms R390C.
Identifiers: ClinVar variation 335952 (VCV000335952.17), dbSNP rs148542782, ClinGen allele CA1619847.
Genomic context (GRCh38, chr2:38,071,186, plus strand): 5'-AGACAGAGGTGTTGGCAGTGGTGGCATGAGGAATAGTGACAGGCACAAAGCTGGAGAAGC[G>A]CATGGCTTCATAAAGGAAGGCCAGGACATAGGGCAGGTTGGGCTGGTCACCCATACAAGG-3'
Protein context (NP_000095.2, residues 380-400): YVLAFLYEAM[Arg390Cys]FSSFVPVTIP

ClinVar aggregate classification (germline): Pathogenic. Review status: reviewed by expert panel (3 of 4 stars). 7 submissions from 7 submitters: Pathogenic (1). 6 of the submissions do not count toward it. Last evaluated 2025-11-19.

Conditions:
Anterior segment dysgenesis 6 (ASGD6). Also called: Anterior segment dysgenesis 6, multiple subtypes. Identifiers: MedGen C4310623, MONDO:0015016, OMIM 617315.
Glaucoma 3A. Also called: Glaucoma 3, primary congenital, A. Identifiers: Orphanet 98976, Orphanet 98977, MedGen C1856439, MONDO:0009277, OMIM 231300.
CYP1B1-related glaucoma with or without anterior segment dysgenesis. Identifiers: MedGen CN375931, MONDO:0800472.
Congenital glaucoma. Identifiers: MedGen C0020302, MONDO:0020366.
Primary congenital glaucoma. Also called: Primary congenital glaucoma (disease). Identifiers: MedGen C1533041, MONDO:0000365, HP:0008007.

Allele frequency attached by ClinVar (database versions not stated): TOPMed 0.00004; ESP Exome Variant Server 0.00008; gnomAD 0.00013.
gnomAD v4.1: 64 of 1,613,650 alleles (0.004%); highest among the groups gnomAD compares: Non-Finnish European, 0.0045%; no homozygotes.

Submissions (7):

ClinGen Glaucoma Variant Curation Expert Panel
Classification: Pathogenic for CYP1B1-related glaucoma with or without anterior segment dysgenesis. Last evaluated: 2025-11-19. Review status: reviewed by expert panel. Criteria: ClinGen CYP1B1 ACMG Specifications V1 Approved. Collection method: curation. Allele origin: germline. Inheritance: Autosomal recessive inheritance.
Comment: The c.1168C>T variant in CYP1B1 is a missense variant predicted to cause substitution of Arginine by Cysteine at amino acid 390 (p.Arg390Cys). The highest minor allele frequency of this variant was in the Remaining genetic ancestry group of gnomAD (v4.1.0) = 0.00006402 (4 alleles out of 62,484), which met the ≤ 0.0005 threshold set for PM2_Supporting in a genetic ancestry group of at least 2,000 alleles. The REVEL score = 0.965, which met the ≥ 0.932 threshold for PP3_Strong, predicting a damaging effect on CYP1B1 function. There was no functional evidence predicting a damaging or benign impact of this variant on CYP1B1 function. 3 affected segregations with a CYP1B1-related phenotype have been reported (PMIDs: 21081970), which fulfilled PP1_Strong. There were more family studies published than presented here. This variant has been identified in five individuals with a CYP1B1-related phenotype. Three of these individuals are compound heterozygous for the variant and a pathogenic or likely pathogenic variant (confirmed in trans) (PMIDs: 23218701, 38755526, 21081970). Two individuals are homozygous (non-consanguineous) for the variant (PMID: 14507861). Total proband points = 4, meeting PM3_Very strong. There were more cases published than presented here. Two other missense variants (p.Arg390His, Grantham score = 29, ClinVar ID: 592512 and p.Arg390Ser, Grantham score = 110, ClinVar ID: 2203048) in the same codon have been classified as pathogenic for a CYP1B1-related phenotype by the ClinGen Glaucoma VCEP. CYP1B1:p.Arg390Cys has a higher Grantham score (= 180) than the previously classified amino acid changes, was not predicted to affect splicing as assessed with SpliceAI (≤ 0.2), and met PP3, meeting the conditions for PM5_Strong to apply. In summary, this variant met the criteria to receive a score of 18 and to be classified as pathogenic (pathogenic classification ≥ 10, adapted from PMID: 32720330) for CYP1B1-related glaucoma with or without anterior segment dysgenesis (ASD) based on the ACMG/AMP criteria met, as specified by the ClinGen Glaucoma VCEP (v1.0, 06.11.2025): PM3_Very Strong, PM5_Strong, PP1_Strong, PP3_Strong, PM2_Supporting (combination of PP3 and PM5 is capped at 5 points).

Fulgent Genetics
Classification: Pathogenic for Glaucoma 3A; Anterior segment dysgenesis 6. Last evaluated: 2024-05-09. Review status: criteria provided, single submitter. Criteria: ACMG Guidelines, 2015. Collection method: clinical testing. Allele origin: germline. Not counted in ClinVar's aggregate classification.

Baylor Genetics
Classification: Pathogenic for Anterior segment dysgenesis 6. Last evaluated: 2024-02-19. Review status: criteria provided, single submitter. Criteria: ACMG Guidelines, 2015. Collection method: clinical testing. Allele origin: unknown. Not counted in ClinVar's aggregate classification.

Labcorp Genetics (formerly Invitae), Labcorp
Classification: Pathogenic for Congenital glaucoma. Last evaluated: 2023-12-20. Review status: criteria provided, single submitter. Criteria: Invitae Variant Classification Sherloc (09022015). Collection method: clinical testing. Allele origin: germline. Not counted in ClinVar's aggregate classification.
Comment: This sequence change replaces arginine, which is basic and polar, with cysteine, which is neutral and slightly polar, at codon 390 of the CYP1B1 protein (p.Arg390Cys). This variant is present in population databases (rs148542782, gnomAD 0.006%). This missense change has been observed in individual(s) with primary congenital glaucoma (PMID: 15037581, 15255109). ClinVar contains an entry for this variant (Variation ID: 335952). Advanced modeling of protein sequence and biophysical properties (such as structural, functional, and spatial information, amino acid conservation, physicochemical variation, residue mobility, and thermodynamic stability) performed at Invitae indicates that this missense variant is expected to disrupt CYP1B1 protein function with a positive predictive value of 80%. This variant disrupts the p.Arg390 amino acid residue in CYP1B1. Other variant(s) that disrupt this residue have been determined to be pathogenic (PMID: 19536304, 27508083, 30108387). This suggests that this residue is clinically significant, and that variants that disrupt this residue are likely to be disease-causing. For these reasons, this variant has been classified as Pathogenic.

Women's Health and Genetics/Laboratory Corporation of America, LabCorp
Classification: Pathogenic for Primary congenital glaucoma. Last evaluated: 2022-04-08. Review status: criteria provided, single submitter. Criteria: LabCorp Variant Classification Summary - May 2015. Collection method: clinical testing. Allele origin: germline. Not counted in ClinVar's aggregate classification.
Comment: Variant summary: CYP1B1 c.1168C>T (p.Arg390Cys) results in a non-conservative amino acid change in the encoded protein sequence. Five of five in-silico tools predict a damaging effect of the variant on protein function. The variant allele was found at a frequency of 2.4e-05 in 249632 control chromosomes. c.1168C>T has been reported in the literature as homozygous and compound heterozygous genotypes in multiple individuals affected with Primary Congenital Glaucoma (example, Reddy_2003, Lim_2013, Jackson_2020). These data indicate that the variant is very likely to be associated with disease. To our knowledge, no experimental evidence demonstrating an impact on protein function was ascertained. Two clinical diagnostic laboratories have submitted clinical-significance assessments for this variant to ClinVar after 2014 without evidence for independent evaluation (Pathogenic, n=2). Based on the evidence outlined above, the variant was classified as pathogenic.

Revvity Omics, Revvity
Classification: Pathogenic. Last evaluated: 2021-06-22. Review status: criteria provided, single submitter. Criteria: ACMG Guidelines, 2015. Collection method: clinical testing. Allele origin: germline. Not counted in ClinVar's aggregate classification.

Illumina Laboratory Services, Illumina
Classification: Pathogenic for Glaucoma 3A. Last evaluated: 2017-04-27. Review status: criteria provided, single submitter. Criteria: ICSL Variant Classification Criteria 09 May 2019. Collection method: clinical testing. Allele origin: germline. Not counted in ClinVar's aggregate classification.
Comment: The CYP1B1 c.1168C>T (p.Arg390Cys) variant is reported in a total of 12 individuals with primary congenital glaucoma (PCG), including eight homozygotes, three compound heterozygotes, and one heterozygote (Curry et al. 2004; Panicker et al. 2004; Sivadorai et al. 2008; Azmanov et al. 2010). A review by Li et al. (2011) noted the variant in 23 of 542 individuals with PCG, though zygosity is not described. The p.Arg390Cys variant was identified in the above studies in a heterozygous state in one of 715 control individuals and it is reported at a frequency of 0.00003 in the Total population of the Exome Aggregation Consortium. Based on the evidence, the p.Arg390Cys variant is classified as pathogenic for primary congenital glaucoma. This variant was observed by ICSL as part of a predisposition screen in an ostensibly healthy population.

Literature cited by the submitters: PubMed 15037581 (cited by Labcorp Genetics (formerly Invitae), Labcorp and Illumina Laboratory Services, Illumina); PubMed 15255109 (cited by Labcorp Genetics (formerly Invitae), Labcorp and Illumina Laboratory Services, Illumina); PubMed 19536304 (cited by Labcorp Genetics (formerly Invitae), Labcorp); PubMed 27508083 (cited by Labcorp Genetics (formerly Invitae), Labcorp); PubMed 30108387 (cited by Labcorp Genetics (formerly Invitae), Labcorp); PubMed 32830442 (cited by Women's Health and Genetics/Laboratory Corporation of America, LabCorp); PubMed 23218701 (cited by Women's Health and Genetics/Laboratory Corporation of America, LabCorp); PubMed 14507861 (cited by Women's Health and Genetics/Laboratory Corporation of America, LabCorp); PubMed 18537981 (cited by Illumina Laboratory Services, Illumina); PubMed 21081970 (cited by Illumina Laboratory Services, Illumina); PubMed 21854771 (cited by Illumina Laboratory Services, Illumina).